The following is an entry in ClinVar:

NM_016343.4(CENPF):c.8692C>T (p.Arg2898Ter)

Gene: CENPF (centromere protein F; plus strand). Cytogenetic location: 1q41.
Variant type: single nucleotide variant.
Coding change: c.8692C>T on transcript NM_016343.4 (MANE Select); coding-DNA position 8692, C replaced by T.
Protein change: p.Arg2898Ter; replaces arginine 2898 with a stop codon.
Molecular consequence: nonsense.
Genome position (GRCh38, 1-based): chr1:214,657,139, C>T. VCF-style: chr1-214657139-C-T. GRCh37 (hg19) VCF-style: chr1-214830482-C-T.
Other names: short protein forms R2898*.
Identifiers: ClinVar variation 190387 (VCV000190387.4), dbSNP rs786205697, ClinGen allele CA199685.

ClinVar aggregate classification (germline): Pathogenic. Review status: criteria provided, multiple submitters, no conflicts (2 of 4 stars). 3 submissions from 3 submitters: Pathogenic (2). 1 of the submissions does not count toward it. Last evaluated 2025-09-19.

Conditions:
Stromme syndrome (STROMS). Also called: Ciliary dyskinesia, primary, 31; Strømme Syndrome; APPLE PEEL SYNDROME WITH MICROCEPHALY AND OCULAR ANOMALIES. Identifiers: Orphanet 444069, Orphanet 506307, MedGen C1855705, MONDO:0009477, OMIM 243605.

Allele frequency attached by ClinVar (database versions not stated): gnomAD exomes below 0.00001.
gnomAD v4.1: 6 of 1,614,132 alleles (0.00037%); highest among the groups gnomAD compares: South Asian, 0.0022%; no homozygotes.

Submissions (3):

Victorian Clinical Genetics Services, Murdoch Childrens Research Institute
Classification: Pathogenic for Stromme syndrome. Last evaluated: 2025-09-19. Review status: criteria provided, single submitter. Criteria: ACMG Guidelines, 2015. Collection method: clinical testing. Allele origin: germline. Affected: yes.
Comment: This variant is classified as Pathogenic. Evidence in support of pathogenic classification: Variant is predicted to cause nonsense-mediated decay (NMD) and loss of protein (premature termination codon is located at least 54 nucleotides upstream of the final exon-exon junction); Variant is present in gnomAD <0.01 for a recessive condition (v4: 6 heterozygote(s), 0 homozygote(s)); Other NMD-predicted variant(s) comparable to the one identified in this case have very strong previous evidence for pathogenicity (DECIPHER). Additional information: This variant is homozygous; This gene is associated with autosomal recessive disease; Loss of function is a known mechanism of disease in this gene and is associated with Stromme syndrome (MIM#243605); Variants in this gene are known to have variable expressivity. Wide phenotypic variability has been described, ranging from mid-gestation lethality to non-syndromic microcephaly (OMIM, PMID: 35001526); Inheritance information for this variant is not currently available in this individual.

Fulgent Genetics
Classification: Pathogenic for Stromme syndrome. Last evaluated: 2022-05-20. Review status: criteria provided, single submitter. Criteria: ACMG Guidelines, 2015. Collection method: clinical testing. Allele origin: unknown.

OMIM
Classification: Pathogenic for STROMME SYNDROME. Last evaluated: 2015-03-01. Review status: no assertion criteria provided. Collection method: literature only. Allele origin: germline. Not counted in ClinVar's aggregate classification.

Literature cited by the submitters: PubMed 35001526 (cited by Victorian Clinical Genetics Services, Murdoch Childrens Research Institute); PubMed 25564561 (cited by OMIM).